The following is an entry in ClinVar:

NM_001015877.2(PHF6):c.1059T>C (p.Asp353=)

Gene: PHF6 (PHD finger protein 6; plus strand). Cytogenetic location: Xq26.2.
Variant type: single nucleotide variant.
Coding change: c.1059T>C on transcript NM_001015877.2 (MANE Select); coding-DNA position 1059, T replaced by C.
Protein change: p.Asp353=; no amino-acid change (aspartic acid 353 retained).
Molecular consequence: synonymous variant.
Genome position (GRCh38, 1-based): chrX:134,425,291, T>C. VCF-style: chrX-134425291-T-C. GRCh37 (hg19) VCF-style: chrX-133559321-T-C.
Other names: c.1059T>C, p.Asp353= (NM_032458.3).
Identifiers: ClinVar variation 4994372 (VCV004994372.1).

ClinVar aggregate classification (germline): Likely benign (1 of 4 stars; one submission).

Conditions:
PHF6-related disorder. Also called: PHF6-related condition.

Submission:

PreventionGenetics, part of Exact Sciences
Classification: Likely benign for PHF6-related condition. Last evaluated: 2026-07-15. Review status: criteria provided, single submitter. Criteria: ACMG Guidelines, 2015. Collection method: clinical testing. Allele origin: germline.
Comment: This variant is classified as likely benign based on ACMG/AMP sequence variant interpretation guidelines (Richards et al. 2015 PMID: 25741868, with internal and published modifications).